The following is an entry in ClinVar:

NM_002857.4(PEX19):c.17A>G (p.Glu6Gly)

Gene: PEX19 (peroxisomal biogenesis factor 19; minus strand). Cytogenetic location: 1q23.2.
Variant type: single nucleotide variant.
Coding change: c.17A>G on transcript NM_002857.4 (MANE Select); coding-DNA position 17, A replaced by G.
Protein change: p.Glu6Gly; replaces glutamic acid 6 with glycine.
Molecular consequence: missense variant. On other transcripts: non-coding transcript variant (2).
Genome position (GRCh38, 1-based): chr1:160,285,108, T>C on the plus strand (A>G on the coding strand, the complement: PEX19 is on the minus strand). VCF-style: chr1-160285108-T-C. GRCh37 (hg19) VCF-style: chr1-160254898-T-C.
Other names: c.17A>G, p.Glu6Gly (NM_001193644.1); c.17A>G (NM_002857.3); short protein forms E6G.
Identifiers: ClinVar variation 1015414 (VCV001015414.7), dbSNP rs181602818, ClinGen allele CA1197519.

ClinVar aggregate classification (germline): Uncertain significance. Review status: criteria provided, multiple submitters, no conflicts (2 of 4 stars). 2 submissions from 2 submitters: Uncertain significance (2). Last evaluated 2024-09-01.

Conditions:
Peroxisome biogenesis disorder 12A (Zellweger). Also called: Peroxisome biogenesis disorder 12A. Identifiers: Orphanet 912, MedGen C3554002, MONDO:0013951, OMIM 614886.
Inborn genetic diseases. Identifiers: MedGen C0950123, MeSH D030342.

Allele frequency attached by ClinVar (database versions not stated): gnomAD 0.00002 and 0.00003; TOPMed 0.00002; gnomAD exomes 0.00005; ExAC 0.00007; 1000 Genomes Project 30x 0.00016; 1000 Genomes Project 0.00020.
gnomAD v4.1: 71 of 1,613,936 alleles (0.0044%); highest among the groups gnomAD compares: Middle Eastern, 0.017%; no homozygotes.

Submissions (2):

Ambry Genetics
Classification: Uncertain significance for Inborn genetic diseases. Last evaluated: 2024-09-01. Review status: criteria provided, single submitter. Criteria: Ambry Variant Classification Scheme 2023. Collection method: clinical testing. Allele origin: germline.

Labcorp Genetics (formerly Invitae), Labcorp
Classification: Uncertain significance for Peroxisome biogenesis disorder 12A (Zellweger). Last evaluated: 2022-09-07. Review status: criteria provided, single submitter. Criteria: Invitae Variant Classification Sherloc (09022015). Collection method: clinical testing. Allele origin: germline.
Comment: This sequence change replaces glutamic acid, which is acidic and polar, with glycine, which is neutral and non-polar, at codon 6 of the PEX19 protein (p.Glu6Gly). This variant is present in population databases (rs181602818, gnomAD 0.009%). This variant has not been reported in the literature in individuals affected with PEX19-related conditions. ClinVar contains an entry for this variant (Variation ID: 1015414). Algorithms developed to predict the effect of missense changes on protein structure and function output the following: SIFT: "Tolerated"; PolyPhen-2: "Benign"; Align-GVGD: "Class C0". The glycine amino acid residue is found in multiple mammalian species, which suggests that this missense change does not adversely affect protein function. In summary, the available evidence is currently insufficient to determine the role of this variant in disease. Therefore, it has been classified as a Variant of Uncertain Significance.